The following is an entry in ClinVar:

ClinVar aggregate classification (germline): Uncertain significance. Review status: criteria provided, multiple submitters, no conflicts (2 of 4 stars). 3 submissions from 3 submitters: Uncertain significance (3). Last evaluated 2025-08-13.

Conditions:
Inborn genetic diseases. Identifiers: MedGen C0950123, MeSH D030342.
Kleefstra syndrome 1 (KLEFS1). Identifiers: Orphanet 261494, MedGen C0795833, MONDO:0027407, OMIM 610253.

gnomAD v4.1: 1 of 1,613,134 alleles (0.000062%); highest among the groups gnomAD compares: African/African-American, 0.0013%; no homozygotes.

Submissions (3):

Ambry Genetics
Classification: Uncertain significance for Inborn genetic diseases. Last evaluated: 2025-08-13. Review status: criteria provided, single submitter. Criteria: Ambry Variant Classification Scheme 2023. Collection method: clinical testing. Allele origin: germline.

Clinical Genomics Laboratory, Washington University in St. Louis
Classification: Uncertain significance for Kleefstra syndrome 1. Last evaluated: 2025-05-07. Review status: criteria provided, single submitter. Criteria: ACMG Guidelines, 2015. Collection method: clinical testing. Allele origin: germline.
Comment: The EHMT1 c.268C>G (p.Arg90Gly) variant, to our knowledge, has not been reported in the medical literature. This variant has been reported in the ClinVar database as a variant of uncertain significance by one submitter (Variation ID: 1466999). It is observed in only 1 allele out of 1,613,134 alleles in the general population (gnomAD v.4.1), indicating it is not a common variant. Computational predictors are uncertain as to the impact of this variant on EHMT1 function. Due to limited information, and based on ACMG/AMP guidelines for variant interpretation (Richards S et al., PMID: 25741868), the clinical significance of this variant is uncertain at this time.

Labcorp Genetics (formerly Invitae), Labcorp
Classification: Uncertain significance for Kleefstra syndrome 1. Last evaluated: 2022-07-25. Review status: criteria provided, single submitter. Criteria: Invitae Variant Classification Sherloc (09022015). Collection method: clinical testing. Allele origin: germline.
Comment: In summary, the available evidence is currently insufficient to determine the role of this variant in disease. Therefore, it has been classified as a Variant of Uncertain Significance. This sequence change replaces arginine, which is basic and polar, with glycine, which is neutral and non-polar, at codon 90 of the EHMT1 protein (p.Arg90Gly). Algorithms developed to predict the effect of missense changes on protein structure and function are either unavailable or do not agree on the potential impact of this missense change (SIFT: "Deleterious"; PolyPhen-2: "Possibly Damaging"; Align-GVGD: "Class C0"). ClinVar contains an entry for this variant (Variation ID: 1466999). This variant has not been reported in the literature in individuals affected with EHMT1-related conditions. This variant is not present in population databases (gnomAD no frequency).

NM_024757.5(EHMT1):c.268C>G (p.Arg90Gly)

Gene: EHMT1 (euchromatic histone lysine methyltransferase 1; plus strand). Cytogenetic location: 9q34.3.
Variant type: single nucleotide variant.
Coding change: c.268C>G on transcript NM_024757.5 (MANE Select); coding-DNA position 268, C replaced by G.
Protein change: p.Arg90Gly; replaces arginine 90 with glycine.
Molecular consequence: missense variant.
Genome position (GRCh38, 1-based): chr9:137,716,808, C>G. VCF-style: chr9-137716808-C-G. GRCh37 (hg19) VCF-style: chr9-140611260-C-G.
Other names: c.268C>G (NM_024757.4); c.268C>G, p.Arg90Gly (NM_001145527.2, NM_001354263.2, NM_001354611.2); c.175C>G, p.Arg59Gly (NM_001354259.2, NM_001354612.2); short protein forms R90G, R59G.
Identifiers: ClinVar variation 1466999 (VCV001466999.10), dbSNP rs568424578, ClinGen allele CA375763827.
Genomic context (GRCh38, chr9:137,716,808, plus strand): 5'-GCAAAGCACACTCAGGACAGCGCAAGGGTCAACCCCCAGGATGGCACCAACACACTAACT[C>G]GGATAGCGGAAAATGGGGTTTCAGAAAGAGACTCAGAAGCGGCGAAGCAAAACCACGTCA-3'
Protein context (NP_079033.4, residues 80-100): NPQDGTNTLT[Arg90Gly]IAENGVSERD